The following is an entry in ClinVar:

NM_000284.4(PDHA1):c.1033_1035dup (p.Glu345_Ile346insGlu)

Gene: PDHA1 (pyruvate dehydrogenase E1 subunit alpha 1; plus strand). Cytogenetic location: Xp22.12.
Variant type: Duplication.
Coding change: c.1033_1035dup on transcript NM_000284.4 (MANE Select); coding-DNA positions 1033 to 1035, 3 bases duplicated (GAG; older notation c.1033_1035dupGAG).
Protein change: p.Glu345_Ile346insGlu.
Molecular consequence: inframe insertion.
Genome position (GRCh38, 1-based): chrX:19,359,513-19,359,515, GAG duplicated; duplicating any 3 consecutive bases within chrX:19,359,511-19,359,515 gives the same sequence; the c. name uses the placement nearest the transcript's 3' end. VCF-style (leftmost placement, unchanged base first): chrX-19359510-A-AAGG. GRCh37 (hg19) VCF-style: chrX-19377628-A-AAGG.
Other names: c.1054_1056dup, p.Glu352_Ile353insGlu (NM_001173455.2); c.940_942dup, p.Glu314_Ile315insGlu (NM_001173456.2); c.1030_1031insAGG (NM_000284.4); c.1147_1149dup, p.Glu383_Ile384insGlu (NM_001173454.2).
Identifiers: ClinVar variation 1711866 (VCV001711866.1), dbSNP rs2518507615, ClinGen allele CA2580100435.
Genomic context (GRCh38, chrX:19,359,510, plus strand): 5'-TTCATTCTAAAACCTTTTACACTGTTACCTAATTTTTAGGAAATTGATGTGGAAGTGAGG[A>AAGG]AGGAGATTGAGGATGCTGCCCAGTTTGCCACGGCCGATCCTGAGCCACCTTTGGAAGAGC-3'

ClinVar aggregate classification (germline): Uncertain significance (1 of 4 stars; one submission).

Conditions:
Pyruvate dehydrogenase E1-alpha deficiency (PDHAD). Also called: ATAXIA, INTERMITTENT, WITH PYRUVATE DEHYDROGENASE DEFICIENCY; ATAXIA WITH LACTIC ACIDOSIS I; ATAXIA, INTERMITTENT, WITH ABNORMAL PYRUVATE METABOLISM; Ataxia, intermittent, with pyruvate dehydrogenase, or decarboxylase, deficiency. Identifiers: Orphanet 79243, MedGen C1839413, MONDO:0010717, OMIM 312170.

Submission:

Breda Genetics srl
Classification: Uncertain significance for Pyruvate dehydrogenase E1-alpha deficiency. Last evaluated: 2021-11-09. Review status: criteria provided, single submitter. Criteria: ACMG Guidelines, 2015. Collection method: clinical testing. Allele origin: germline. Inheritance: X-linked dominant inheritance. Affected: yes. Observed: 1 variant allele, 1 heterozygote.
Comment: The variant c.1030_1031insAGG (p.Lys344delinsLysGlu) in the PDHA1 gene is an in-frame delins at amino acid position 344, with the insertion of the 2 following amino acids: LysGlu. This variant has not been reported in dbSNP, gnomAD or ClinVar. A small duplication of 27 amino acids downstream this variant has been reported as likely pathogenic in ClinVar for pyruvate dehydrogenase E1-alpha deficiency (Variation ID: 495793).